The following is an entry in ClinVar:

ClinVar aggregate classification (germline): Likely benign (0 of 4 stars; one submission).

Conditions:
PLXNA3-related disorder. Also called: PLXNA3-related condition.

Allele frequency attached by ClinVar (database versions not stated): TOPMed 0.00001; gnomAD 0.00002; ExAC 0.00003; gnomAD exomes 0.00006.
gnomAD v4.1: 70 of 1,209,020 alleles (0.0058%); highest among the groups gnomAD compares: East Asian, 0.036%; no homozygotes.

Submission:

PreventionGenetics, part of Exact Sciences
Classification: Likely benign for PLXNA3-related condition. Last evaluated: 2021-11-03. Review status: no assertion criteria provided. Collection method: clinical testing. Allele origin: germline.
Comment: This variant is classified as likely benign based on ACMG/AMP sequence variant interpretation guidelines (Richards et al. 2015 PMID: 25741868, with internal and published modifications).

NM_017514.5(PLXNA3):c.5202C>T (p.Phe1734=)

Gene: PLXNA3 (plexin A3; plus strand). Cytogenetic location: Xq28.
Variant type: single nucleotide variant.
Coding change: c.5202C>T on transcript NM_017514.5 (MANE Select); coding-DNA position 5202, C replaced by T.
Protein change: p.Phe1734=; no amino-acid change (phenylalanine 1734 retained).
Molecular consequence: synonymous variant.
Genome position (GRCh38, 1-based): chrX:154,471,150, C>T. VCF-style: chrX-154471150-C-T. GRCh37 (hg19) VCF-style: chrX-153699493-C-T.
Identifiers: ClinVar variation 3036391 (VCV003036391.2), dbSNP rs782743853, ClinGen allele CA10565073.